The following is an entry in ClinVar:

NM_001042432.2(CLN3):c.295-17C>T

Gene: CLN3 (CLN3 lysosomal/endosomal transmembrane protein, battenin; minus strand). Cytogenetic location: 16p12.1.
Variant type: single nucleotide variant.
Coding change: c.295-17C>T on transcript NM_001042432.2 (MANE Select); 17 bases into the intron before coding-DNA position 295, C replaced by T.
Molecular consequence: intron variant.
Genome position (GRCh38, 1-based): chr16:28,487,758, G>A on the plus strand (C>T on the coding strand, the complement: CLN3 is on the minus strand). VCF-style: chr16-28487758-G-A. GRCh37 (hg19) VCF-style: chr16-28499079-G-A.
Other names: c.61-17C>T (NM_001286109.2); c.223-17C>T (NM_001286104.2); c.75-217C>T (NM_001286105.2); c.133-17C>T (NM_001286110.2); c.295-17C>T (NM_000086.2).
Identifiers: ClinVar variation 136787 (VCV000136787.9), dbSNP rs375311626, ClinGen allele CA290125.
Genomic context (GRCh38, chr16:28,487,758, plus strand): 5'-AATTTGATGACGAGTGTGGGGAGGATGTCCGCCAGGAGCACAGCCTGGGACAGGAGAATA[G>A]AGTGAGACCGCAGAGCTTCCAGGGGACAACCCTCCCAACCACGTGGCCAAGGAGAGGCAG-3'

ClinVar aggregate classification (germline): Benign/Likely benign. Review status: criteria provided, multiple submitters, no conflicts (2 of 4 stars). 3 submissions from 3 submitters: Benign (1); Likely benign (2). Last evaluated 2025-06-17.

Conditions:
Neuronal ceroid lipofuscinosis. Also called: Neuronal Ceroid Lipofuscinoses. Identifiers: Orphanet 216, Orphanet 79263, MedGen C0027877, MONDO:0016295. Disease mechanism: loss of function.

Allele frequency attached by ClinVar (database versions not stated): gnomAD 0.00004 and 0.00005; TOPMed 0.00005.
gnomAD v4.1: 33 of 1,603,876 alleles (0.0021%); highest among the groups gnomAD compares: African/African-American, 0.024%; no homozygotes.

Submissions (3):

Labcorp Genetics (formerly Invitae), Labcorp
Classification: Likely benign for Neuronal ceroid lipofuscinosis. Last evaluated: 2025-06-17. Review status: criteria provided, single submitter. Criteria: Invitae Variant Classification Sherloc (09022015). Collection method: clinical testing. Allele origin: germline.

Blueprint Genetics
Classification: Likely benign. Last evaluated: 2024-03-19. Review status: criteria provided, single submitter. Criteria: ACMG Guidelines, 2015. Collection method: clinical testing. Allele origin: germline.

GeneDx
Classification: Benign. Last evaluated: 2014-03-05. Review status: criteria provided, single submitter. Criteria: GeneDx Variant Classification (06012015). Collection method: clinical testing. Allele origin: germline. Affected: yes.
Comment: This variant is considered likely benign or benign based on one or more of the following criteria: it is a conservative change, it occurs at a poorly conserved position in the protein, it is predicted to be benign by multiple in silico algorithms, and/or has population frequency not consistent with disease.